The following is an entry in ClinVar:

ClinVar aggregate classification (germline): Uncertain significance (1 of 4 stars; one submission).

Conditions:
Hyperekplexia 3 (HKPX3). Also called: HYPEREKPLEXIA 3, AUTOSOMAL RECESSIVE; HYPEREKPLEXIA 3, AUTOSOMAL DOMINANT. Identifiers: Orphanet 3197, MedGen C3553288, MONDO:0013827, OMIM 614618.

Submission:

Mendelics
Classification: Uncertain significance for Hyperekplexia 3. Last evaluated: 2026-03-05. Review status: criteria provided, single submitter. Criteria: ACMG Guidelines, 2015. Collection method: clinical testing. Allele origin: unknown.
Comment: The available evidence is insufficient to conclusively determine the role of this variant. Therefore, it is classified as a Variant of Uncertain Significance.

NM_004211.5(SLC6A5):c.1190C>G (p.Ala397Gly)

Gene: SLC6A5 (solute carrier family 6 member 5; plus strand). Cytogenetic location: 11p15.1.
Variant type: single nucleotide variant.
Coding change: c.1190C>G on transcript NM_004211.5 (MANE Select); coding-DNA position 1190, C replaced by G.
Protein change: p.Ala397Gly; replaces alanine 397 with glycine.
Molecular consequence: missense variant.
Genome position (GRCh38, 1-based): chr11:20,617,814, C>G. VCF-style: chr11-20617814-C-G. GRCh37 (hg19) VCF-style: chr11-20639360-C-G.
Other names: c.488C>G, p.Ala163Gly (NM_001318369.2); short protein forms A163G, A397G.
Identifiers: ClinVar variation 4813566 (VCV004813566.1).